The following is an entry in ClinVar:

NM_006282.5(STK4):c.586A>G (p.Ile196Val)

Gene: STK4 (serine/threonine kinase 4; plus strand). Cytogenetic location: 20q13.12.
Variant type: single nucleotide variant.
Coding change: c.586A>G on transcript NM_006282.5 (MANE Select); coding-DNA position 586, A replaced by G.
Protein change: p.Ile196Val; replaces isoleucine 196 with valine.
Molecular consequence: missense variant.
Genome position (GRCh38, 1-based): chr20:44,995,150, A>G. VCF-style: chr20-44995150-A-G. GRCh37 (hg19) VCF-style: chr20-43623791-A-G.
Other names: c.586A>G, p.Ile196Val (NM_001352385.2); short protein forms I196V.
Identifiers: ClinVar variation 1436225 (VCV001436225.6), dbSNP rs1312616952, ClinGen allele CA409124644.

ClinVar aggregate classification (germline): Uncertain significance (1 of 4 stars; one submission).

Conditions:
Combined immunodeficiency due to STK4 deficiency (IMD110). Also called: MST1 DEFICIENCY; STK4 DEFICIENCY; T-cell immunodeficiency, recurrent infections, and autoimmunity with or without cardiac malformations. Identifiers: Orphanet 314689, MedGen C3553943, MONDO:0013934, OMIM 614868.

Allele frequency attached by ClinVar (database versions not stated): TOPMed below 0.00001; gnomAD 0.00001.
gnomAD v4.1: 1 of 1,613,802 alleles (0.000062%); highest among the groups gnomAD compares: Admixed American, 0.0017%; no homozygotes.

Submission:

Labcorp Genetics (formerly Invitae), Labcorp
Classification: Uncertain significance for Combined immunodeficiency due to STK4 deficiency. Last evaluated: 2023-12-11. Review status: criteria provided, single submitter. Criteria: Invitae Variant Classification Sherloc (09022015). Collection method: clinical testing. Allele origin: germline.
Comment: This sequence change replaces isoleucine, which is neutral and non-polar, with valine, which is neutral and non-polar, at codon 196 of the STK4 protein (p.Ile196Val). This variant is not present in population databases (gnomAD no frequency). This variant has not been reported in the literature in individuals affected with STK4-related conditions. ClinVar contains an entry for this variant (Variation ID: 1436225). Advanced modeling of protein sequence and biophysical properties (such as structural, functional, and spatial information, amino acid conservation, physicochemical variation, residue mobility, and thermodynamic stability) performed at Invitae indicates that this missense variant is not expected to disrupt STK4 protein function with a negative predictive value of 95%. In summary, the available evidence is currently insufficient to determine the role of this variant in disease. Therefore, it has been classified as a Variant of Uncertain Significance.